The following is an entry in ClinVar:

ClinVar aggregate classification (germline): Uncertain significance. Review status: criteria provided, multiple submitters, no conflicts (2 of 4 stars). 2 submissions from 2 submitters: Uncertain significance (2). Last evaluated 2023-05-03.

Conditions:
CDKL5-related disorder.

Allele frequency attached by ClinVar (database versions not stated): TOPMed 0.00002.

Submissions (2):

PreventionGenetics, part of Exact Sciences
Classification: Uncertain significance for CDKL5-related condition. Last evaluated: 2023-05-03. Review status: criteria provided, single submitter. Criteria: ACMG Guidelines, 2015. Collection method: clinical testing. Allele origin: germline.
Comment: The CDKL5 c.2822A>G variant is predicted to result in the amino acid substitution p.Tyr941Cys. To our knowledge, this variant has not been reported in the literature or in a large population database, indicating this variant is rare. This variant is in the terminal exon of an alternate transcript (NM_001323289); however, other loss of function alterations have been reported in affected individuals in this region (HGMD transcript cdkl5tv3, Kobayashi et al. 2021. PubMed ID: 33436160; Takata et al. 2019. PubMed ID: 31175295; Steward et al. 2019. PubMed ID: 31814998; Bodian et al. 2018. PubMed ID: 29444904). In the primary transcript, this variant is located in an intron (NM_003159.2:c.2713+109A>G). At this time, the clinical significance of this variant is uncertain due to the absence of conclusive functional and genetic evidence.

GeneDx
Classification: Uncertain significance. Last evaluated: 2022-02-15. Review status: criteria provided, single submitter. Criteria: GeneDx Variant Classification Process June 2021. Collection method: clinical testing. Allele origin: germline. Affected: yes.
Comment: Not observed at significant frequency in large population cohorts (gnomAD); In silico analysis supports that this missense variant does not alter protein structure/function; Has not been previously published as pathogenic or benign to our knowledge

NM_001323289.2(CDKL5):c.2822A>G (p.Tyr941Cys)

Gene: CDKL5 (cyclin dependent kinase like 5; plus strand). Cytogenetic location: Xp22.13.
Variant type: single nucleotide variant.
Coding change: c.2822A>G on transcript NM_001323289.2 (MANE Select); coding-DNA position 2822, A replaced by G.
Protein change: p.Tyr941Cys; replaces tyrosine 941 with cysteine.
Molecular consequence: missense variant. On other transcripts: intron variant (2).
Genome position (GRCh38, 1-based): chrX:18,628,696, A>G. VCF-style: chrX-18628696-A-G. GRCh37 (hg19) VCF-style: chrX-18646816-A-G.
Other names: c.2713+109A>G (NM_003159.3, NM_001037343.2); c.2822A>G (NM_001323289.1); short protein forms Y941C.
Identifiers: ClinVar variation 1700932 (VCV001700932.3), dbSNP rs1291397963, ClinGen allele CA412369143.
Genomic context (GRCh38, chrX:18,628,696, plus strand): 5'-CAGAGGGCCCTTCCTACTCTGAACAGCTGGGTGCCAAAAGTGGGCCAAATGGGCACCCCT[A>G]TAACAGAACAAATCGCTCACGAATGCCAAATCTGAATGATTTAAAAGAGACAGCCTTGTA-3'
Protein context (NP_001310218.1, residues 931-951): GAKSGPNGHP[Tyr941Cys]NRTNRSRMPN